The following is an entry in ClinVar:

NM_003334.4(UBA1):c.1878G>T (p.Glu626Asp)

Gene: UBA1 (ubiquitin like modifier activating enzyme 1; plus strand). Cytogenetic location: Xp11.3.
Variant type: single nucleotide variant.
Coding change: c.1878G>T on transcript NM_003334.4 (MANE Select); coding-DNA position 1878, G replaced by T.
Protein change: p.Glu626Asp; replaces glutamic acid 626 with aspartic acid.
Molecular consequence: missense variant.
Genome position (GRCh38, 1-based): chrX:47,206,384, G>T. VCF-style: chrX-47206384-G-T. GRCh37 (hg19) VCF-style: chrX-47065783-G-T.
Other names: c.1878G>T, p.Glu626Asp (NM_153280.3); short protein forms E626D.
Identifiers: ClinVar variation 3631634 (VCV003631634.2).

ClinVar aggregate classification (germline): Uncertain significance (1 of 4 stars; one submission).

Conditions:
Infantile-onset X-linked spinal muscular atrophy. Also called: Spinal Muscular Atrophy, X-Linked Infantile; Spinal muscular atrophy, X-linked 2; AMC, DISTAL, X-LINKED; ARTHROGRYPOSIS, X-LINKED, TYPE I; SPINAL MUSCULAR ATROPHY, X-LINKED LETHAL INFANTILE. Identifiers: Orphanet 1145, MedGen C1844934, MONDO:0010532, OMIM 301830.

Submission:

Labcorp Genetics (formerly Invitae), Labcorp
Classification: Uncertain significance for Infantile-onset X-linked spinal muscular atrophy. Last evaluated: 2024-08-28. Review status: criteria provided, single submitter. Criteria: Invitae Variant Classification Sherloc (09022015). Collection method: clinical testing. Allele origin: germline.
Comment: This sequence change replaces glutamic acid, which is acidic and polar, with aspartic acid, which is acidic and polar, at codon 626 of the UBA1 protein (p.Glu626Asp). This variant is not present in population databases (gnomAD no frequency). This variant has not been reported in the literature in individuals affected with UBA1-related conditions. An algorithm developed to predict the effect of missense changes on protein structure and function (PolyPhen-2) suggests that this variant is likely to be disruptive. In summary, the available evidence is currently insufficient to determine the role of this variant in disease. Therefore, it has been classified as a Variant of Uncertain Significance.